The following is an entry in ClinVar:

ClinVar aggregate classification (germline): Uncertain significance. Review status: criteria provided, multiple submitters, no conflicts (2 of 4 stars). 2 submissions from 2 submitters: Uncertain significance (2). Last evaluated 2025-03-24.

Conditions:
Cardiovascular phenotype. Identifiers: MedGen CN230736.
RASopathy. Also called: Noonan spectrum disorder; rasopathies. Identifiers: Orphanet 536391, MedGen C5555857, MONDO:0021060.

Submissions (2):

Ambry Genetics
Classification: Uncertain significance for Cardiovascular phenotype. Last evaluated: 2025-03-24. Review status: criteria provided, single submitter. Criteria: Ambry Variant Classification Scheme 2023. Collection method: clinical testing. Allele origin: germline.
Comment: The p.V95I variant (also known as c.283G>A), located in coding exon 3 of the PTPN11 gene, results from a G to A substitution at nucleotide position 283. The valine at codon 95 is replaced by isoleucine, an amino acid with highly similar properties. This amino acid position is conserved. In addition, the in silico prediction for this alteration is inconclusive. Based on the available evidence, the clinical significance of this variant remains unclear.

Labcorp Genetics (formerly Invitae), Labcorp
Classification: Uncertain significance for RASopathy. Last evaluated: 2024-07-24. Review status: criteria provided, single submitter. Criteria: Invitae Variant Classification Sherloc (09022015). Collection method: clinical testing. Allele origin: germline.
Comment: This sequence change replaces valine, which is neutral and non-polar, with isoleucine, which is neutral and non-polar, at codon 95 of the PTPN11 protein (p.Val95Ile). This variant is not present in population databases (gnomAD no frequency). This variant has not been reported in the literature in individuals affected with PTPN11-related conditions. ClinVar contains an entry for this variant (Variation ID: 1487290). Advanced modeling of protein sequence and biophysical properties (such as structural, functional, and spatial information, amino acid conservation, physicochemical variation, residue mobility, and thermodynamic stability) performed at Invitae indicates that this missense variant is expected to disrupt PTPN11 protein function with a positive predictive value of 95%. In summary, the available evidence is currently insufficient to determine the role of this variant in disease. Therefore, it has been classified as a Variant of Uncertain Significance.

NM_002834.5(PTPN11):c.283G>A (p.Val95Ile)

Gene: PTPN11 (protein tyrosine phosphatase non-receptor type 11; plus strand). Cytogenetic location: 12q24.13.
Variant type: single nucleotide variant.
Coding change: c.283G>A on transcript NM_002834.5 (MANE Select); coding-DNA position 283, G replaced by A.
Protein change: p.Val95Ile; replaces valine 95 with isoleucine.
Molecular consequence: missense variant.
Genome position (GRCh38, 1-based): chr12:112,450,463, G>A. VCF-style: chr12-112450463-G-A. GRCh37 (hg19) VCF-style: chr12-112888267-G-A.
Other names: c.283G>A, p.Val95Ile (NM_001330437.2, NM_080601.3); c.280G>A, p.Val94Ile (NM_001374625.1); c.283G>A (NM_002834.3); short protein forms V95I, V94I.
Identifiers: ClinVar variation 1487290 (VCV001487290.7), dbSNP rs2135862799, ClinGen allele CA386778206.
Genomic context (GRCh38, chr12:112,450,463, plus strand): 5'-GCTGAGTTGGTCCAGTATTACATGGAACATCACGGGCAATTAAAAGAGAAGAATGGAGAT[G>A]TCATTGAGCTTAAATATCCTCTGAACTGTGCAGATCCTACCTCTGAAAGGTCAGTAACAT-3'
Protein context (NP_002825.3, residues 85-105): HGQLKEKNGD[Val95Ile]IELKYPLNCA